The following is an entry in ClinVar:

ClinVar aggregate classification (germline): Conflicting classifications of pathogenicity. Review status: criteria provided, conflicting classifications (1 of 4 stars). 2 submissions from 2 submitters: Uncertain significance (1); Likely benign (1). Last evaluated 2026-06-02.

Conditions:
COL6A3-related disorder. Also called: COL6A3-related disorders; COL6A3-related condition.
Bethlem myopathy 1A. Also called: Bethlem myopathy 1; Bethlem Muscular Dystrophy; MYOPATHY, BENIGN CONGENITAL, WITH CONTRACTURES. Identifiers: Orphanet 610, MedGen CN029274, MONDO:0024530, OMIM 158810.

Allele frequency attached by ClinVar (database versions not stated): gnomAD 0.00006 and 0.00007; TOPMed 0.00007.
gnomAD v4.1: 125 of 1,614,020 alleles (0.0077%); highest among the groups gnomAD compares: Non-Finnish European, 0.01%; no homozygotes.

Submissions (2):

PreventionGenetics, part of Exact Sciences
Classification: Uncertain significance for COL6A3-related condition. Last evaluated: 2026-06-02. Review status: criteria provided, single submitter. Criteria: ACMG Guidelines, 2015. Collection method: clinical testing. Allele origin: germline.
Comment: The COL6A3 c.4048G>A variant is predicted to result in the amino acid substitution p.Asp1350Asn. To our knowledge, this variant has not been reported in the literature. This variant is reported in 0.0062% of alleles in individuals of European (Non-Finnish) descent in gnomAD. At this time, the clinical significance of this variant is uncertain due to the absence of conclusive functional and genetic evidence.

Labcorp Genetics (formerly Invitae), Labcorp
Classification: Likely benign for Bethlem myopathy 1A. Last evaluated: 2025-09-26. Review status: criteria provided, single submitter. Criteria: Invitae Variant Classification Sherloc (09022015). Collection method: clinical testing. Allele origin: germline.

NM_004369.4(COL6A3):c.4048G>A (p.Asp1350Asn)

Gene: COL6A3 (collagen type VI alpha 3 chain; minus strand). Cytogenetic location: 2q37.3.
Variant type: single nucleotide variant.
Coding change: c.4048G>A on transcript NM_004369.4 (MANE Select); coding-DNA position 4048, G replaced by A.
Protein change: p.Asp1350Asn; replaces aspartic acid 1350 with asparagine.
Molecular consequence: missense variant.
Genome position (GRCh38, 1-based): chr2:237,371,969, C>T on the plus strand (G>A on the coding strand, the complement: COL6A3 is on the minus strand). VCF-style: chr2-237371969-C-T. GRCh37 (hg19) VCF-style: chr2-238280612-C-T.
Other names: c.2827G>A, p.Asp943Asn (NM_057164.5); c.3430G>A, p.Asp1144Asn (NM_057165.5, NM_057167.4); c.2227G>A, p.Asp743Asn (NM_057166.5); short protein forms D1350N, D743N, D943N, D1144N.
Identifiers: ClinVar variation 658910 (VCV000658910.12), dbSNP rs752977410, ClinGen allele CA2189007.